The following is an entry in ClinVar:

NM_001197104.2(KMT2A):c.1642A>T (p.Thr548Ser)

Gene: KMT2A (lysine methyltransferase 2A; plus strand). Cytogenetic location: 11q23.3.
Variant type: single nucleotide variant.
Coding change: c.1642A>T on transcript NM_001197104.2 (MANE Select); coding-DNA position 1642, A replaced by T.
Protein change: p.Thr548Ser; replaces threonine 548 with serine.
Molecular consequence: missense variant.
Genome position (GRCh38, 1-based): chr11:118,472,801, A>T. VCF-style: chr11-118472801-A-T. GRCh37 (hg19) VCF-style: chr11-118343516-A-T.
Other names: c.1741A>T, p.Thr581Ser (NM_001412597.1); c.1642A>T, p.Thr548Ser (NM_005933.4); short protein forms T581S, T548S.
Identifiers: ClinVar variation 2720056 (VCV002720056.3), dbSNP rs1057519412, ClinGen allele CA382810552.

ClinVar aggregate classification (germline): Uncertain significance (1 of 4 stars; one submission).

Submission:

Labcorp Genetics (formerly Invitae), Labcorp
Classification: Uncertain significance. Last evaluated: 2023-08-03. Review status: criteria provided, single submitter. Criteria: Invitae Variant Classification Sherloc (09022015). Collection method: clinical testing. Allele origin: germline.
Comment: This sequence change replaces threonine, which is neutral and polar, with serine, which is neutral and polar, at codon 548 of the KMT2A protein (p.Thr548Ser). This variant is not present in population databases (gnomAD no frequency). This variant has not been reported in the literature in individuals affected with KMT2A-related conditions. Advanced modeling of protein sequence and biophysical properties (such as structural, functional, and spatial information, amino acid conservation, physicochemical variation, residue mobility, and thermodynamic stability) performed at Invitae indicates that this missense variant is not expected to disrupt KMT2A protein function. In summary, the available evidence is currently insufficient to determine the role of this variant in disease. Therefore, it has been classified as a Variant of Uncertain Significance.